The following is an entry in ClinVar:

ClinVar aggregate classification (germline): Uncertain significance (1 of 4 stars; one submission).

Conditions:
Retinitis pigmentosa 20 (RP20). Identifiers: Orphanet 791, MedGen C3151086, MONDO:0013425, OMIM 613794.
Leber congenital amaurosis 2 (LCA2). Also called: Autosomal Recessive RPE65-Related Retinal Degeneration; AMAUROSIS CONGENITA OF LEBER II. Identifiers: Orphanet 65, MedGen C1859844, MONDO:0008765, OMIM 204100. Disease mechanism: loss of function.

Submission:

Labcorp Genetics (formerly Invitae), Labcorp
Classification: Uncertain significance for Leber congenital amaurosis 2; Retinitis pigmentosa 20. Last evaluated: 2022-08-16. Review status: criteria provided, single submitter. Criteria: Invitae Variant Classification Sherloc (09022015). Collection method: clinical testing. Allele origin: germline.
Comment: In summary, the available evidence is currently insufficient to determine the role of this variant in disease. Therefore, it has been classified as a Variant of Uncertain Significance. Algorithms developed to predict the effect of missense changes on protein structure and function (SIFT, PolyPhen-2, Align-GVGD) all suggest that this variant is likely to be tolerated. ClinVar contains an entry for this variant (Variation ID: 1440246). This variant has not been reported in the literature in individuals affected with RPE65-related conditions. This variant is not present in population databases (gnomAD no frequency). This sequence change replaces glutamic acid, which is acidic and polar, with glycine, which is neutral and non-polar, at codon 74 of the RPE65 protein (p.Glu74Gly).

NM_000329.3(RPE65):c.221A>G (p.Glu74Gly)

Gene: RPE65 (retinoid isomerohydrolase RPE65; minus strand). Cytogenetic location: 1p31.3.
Variant type: single nucleotide variant.
Coding change: c.221A>G on transcript NM_000329.3 (MANE Select); coding-DNA position 221, A replaced by G.
Protein change: p.Glu74Gly; replaces glutamic acid 74 with glycine.
Molecular consequence: missense variant.
Genome position (GRCh38, 1-based): chr1:68,446,734, T>C on the plus strand (A>G on the coding strand, the complement: RPE65 is on the minus strand). VCF-style: chr1-68446734-T-C. GRCh37 (hg19) VCF-style: chr1-68912417-T-C.
Other names: short protein forms E74G.
Identifiers: ClinVar variation 1440246 (VCV001440246.5), dbSNP rs2100831191, ClinGen allele CA340748932.